The following is an entry in ClinVar:

NM_005535.3(IL12RB1):c.1691T>C (p.Val564Ala)

Gene: IL12RB1 (interleukin 12 receptor subunit beta 1; minus strand). Cytogenetic location: 19p13.11.
Variant type: single nucleotide variant.
Coding change: c.1691T>C on transcript NM_005535.3 (MANE Select); coding-DNA position 1691, T replaced by C.
Protein change: p.Val564Ala; replaces valine 564 with alanine.
Molecular consequence: missense variant.
Genome position (GRCh38, 1-based): chr19:18,062,205, A>G on the plus strand (T>C on the coding strand, the complement: IL12RB1 is on the minus strand). VCF-style: chr19-18062205-A-G. GRCh37 (hg19) VCF-style: chr19-18173015-A-G.
Other names: c.1691T>C, p.Val564Ala (NM_001290023.2); c.1811T>C, p.Val604Ala (NM_001290024.2); short protein forms V564A, V604A.
Identifiers: ClinVar variation 2142764 (VCV002142764.4), dbSNP rs948431593, ClinGen allele CA306160131.

ClinVar aggregate classification (germline): Uncertain significance (1 of 4 stars; one submission).

Conditions:
Mendelian susceptibility to mycobacterial diseases due to complete IL12RB1 deficiency. Also called: IL12RB1 DEFICIENCY; Immunodeficiency 30. Identifiers: Orphanet 319552, MedGen C4013949, MONDO:0013955, OMIM 614891.

gnomAD v4.1: 37 of 1,612,784 alleles (0.0023%); highest among the groups gnomAD compares: Non-Finnish European, 0.003%; no homozygotes.

Submission:

Labcorp Genetics (formerly Invitae), Labcorp
Classification: Uncertain significance for Mendelian susceptibility to mycobacterial diseases due to complete IL12RB1 deficiency. Last evaluated: 2022-01-03. Review status: criteria provided, single submitter. Criteria: Invitae Variant Classification Sherloc (09022015). Collection method: clinical testing. Allele origin: germline.
Comment: In summary, the available evidence is currently insufficient to determine the role of this variant in disease. Therefore, it has been classified as a Variant of Uncertain Significance. Algorithms developed to predict the effect of missense changes on protein structure and function output the following: SIFT: "Tolerated"; PolyPhen-2: "Benign"; Align-GVGD: "Class C0". The alanine amino acid residue is found in multiple mammalian species, which suggests that this missense change does not adversely affect protein function. This variant has not been reported in the literature in individuals affected with IL12RB1-related conditions. This variant is not present in population databases (gnomAD no frequency). This sequence change replaces valine, which is neutral and non-polar, with alanine, which is neutral and non-polar, at codon 564 of the IL12RB1 protein (p.Val564Ala).